The following is an entry in ClinVar:

ClinVar aggregate classification (germline): Likely benign (1 of 4 stars; one submission).

Conditions:
Familial hypercholesterolemia. Also called: Familial hypercholesterolemias; Familial hypercholesterolaemia. Identifiers: MedGen C0020445, MONDO:0005439.

Submission:

GENinCode PLC
Classification: Likely benign for Familial hypercholesterolemia. Last evaluated: 2026-05-27. Review status: criteria provided, single submitter. Criteria: ACMG Guidelines, 2015. Collection method: clinical testing. Allele origin: germline.
Comment: This is a synonymous (silent) variant that is not predicted to impact splicing and occurs at a nucleotide which is not highly conserved. This variant has been classified as Likely Benign (BP4, BP7).

NM_000384.3(APOB):c.11358C>T (p.Leu3786=)

Gene: APOB (apolipoprotein B; minus strand). Cytogenetic location: 2p24.1.
Variant type: single nucleotide variant.
Coding change: c.11358C>T on transcript NM_000384.3 (MANE Select); coding-DNA position 11358, C replaced by T.
Protein change: p.Leu3786=; no amino-acid change (leucine 3786 retained).
Molecular consequence: synonymous variant.
Genome position (GRCh38, 1-based): chr2:21,005,510, G>A on the plus strand (C>T on the coding strand, the complement: APOB is on the minus strand). VCF-style: chr2-21005510-G-A. GRCh37 (hg19) VCF-style: chr2-21228382-G-A.
Identifiers: ClinVar variation 4888244 (VCV004888244.1).
Genomic context (GRCh38, chr2:21,005,510, plus strand): 5'-GGAGTCTTCTGGTTGAGAATATTTTGTTAACACATCAACTTCAGGGAATTTTACCTCGGG[G>A]AGTGTTGGTAGGTTGAGGGCAAATGATGAAGTTCTCAGCTTCTTATAGATTTGTATTTCT-3'
Protein context (NP_000375.3, residues 3776-3796): TSSFALNLPT[Leu3786=]PEVKFPEVDV